The following is an entry in ClinVar:

NM_001134831.2(AHI1):c.3421C>T (p.Gln1141Ter)

Gene: AHI1 (Abelson helper integration site 1; minus strand). Cytogenetic location: 6q23.3.
Variant type: single nucleotide variant.
Coding change: c.3421C>T on transcript NM_001134831.2 (MANE Select); coding-DNA position 3421, C replaced by T.
Protein change: p.Gln1141Ter; replaces glutamine 1141 with a stop codon.
Molecular consequence: nonsense.
Genome position (GRCh38, 1-based): chr6:135,318,524, G>A on the plus strand (C>T on the coding strand, the complement: AHI1 is on the minus strand). VCF-style: chr6-135318524-G-A. GRCh37 (hg19) VCF-style: chr6-135639662-G-A.
Other names: c.3421C>T, p.Gln1141Ter (NM_001134830.2, NM_001350503.2, NM_001350504.2 and 1 more transcripts); short protein forms Q1141*.
Identifiers: ClinVar variation 2961595 (VCV002961595.3), dbSNP rs2483216049, ClinGen allele CA365844112.

ClinVar aggregate classification (germline): Pathogenic (1 of 4 stars; one submission).

Conditions:
Joubert syndrome. Also called: CEREBELLOPARENCHYMAL DISORDER IV; JOUBERT-BOLTSHAUSER SYNDROME; Familial aplasia of the vermis. Identifiers: Orphanet 475, MedGen C5979921, MONDO:0018772.

Submission:

Labcorp Genetics (formerly Invitae), Labcorp
Classification: Pathogenic for Joubert syndrome. Last evaluated: 2024-12-07. Review status: criteria provided, single submitter. Criteria: Invitae Variant Classification Sherloc (09022015). Collection method: clinical testing. Allele origin: germline.
Comment: This sequence change creates a premature translational stop signal (p.Gln1141*) in the AHI1 gene. It is expected to result in an absent or disrupted protein product. Loss-of-function variants in AHI1 are known to be pathogenic (PMID: 15322546, 16453322, 28442542, 29186038). This variant is not present in population databases (gnomAD no frequency). This variant has not been reported in the literature in individuals affected with AHI1-related conditions. ClinVar contains an entry for this variant (Variation ID: 2961595). For these reasons, this variant has been classified as Pathogenic.

Literature cited by the submitters: PubMed 15322546; PubMed 16453322; PubMed 28442542; PubMed 29186038.